The following is an entry in ClinVar:

ClinVar aggregate classification (germline): Uncertain significance (1 of 4 stars; one submission).

Submission:

Women's Health and Genetics/Laboratory Corporation of America, LabCorp
Classification: Uncertain significance. Last evaluated: 2025-05-20. Review status: criteria provided, single submitter. Criteria: LabCorp Variant Classification Summary - May 2015. Collection method: clinical testing. Allele origin: germline.
Comment: Variant summary: The variant involves the duplication of exons 1-2 in the DMD gene. A presumed nomenclature of c.(?_-238)_(93+1_94-1)dup has been designated for the purposes of this classification. The exact breakpoint at the 5' end of this variant is unknown, therefore this duplication may extend upstream of the annotated region of this gene. It is predicted to duplicate a segment including the initiation codon, therefore its impact on the encoded protein is unknown. A variant involving the duplication of exons 1-2 together with a large DNA segment (~ 500 kb) upstream of the gene was found at a frequency of 0.00025 in 16119 control chromosomes, including 4 hemizygotes (gnomAD database, Structural Variants dataset). Exon 1-2 duplication variants have been reported in the literature in at least 5 male individuals affected with Dystrophinopathies (e.g. Annexstad_2019, Kohli_2020, Neri_2020, Nallamilli_2021, Zinina_2022), and in an infant who had elevated creatine kinase (CK) levels (Xiao_2021). However, an exon 1-2 duplication has also been reported in at least 3 related unaffected male individuals (e.g. Shen_2024). Therefore, these reports do not allow for strong conclusions to be made regarding whether variants resulting in the duplication of exons 1-2 are associated with disease. To our knowledge, no experimental evidence demonstrating an impact on protein function has been reported. The following publications have been ascertained in the context of this evaluation (PMID: 32358784, 33644936, 38504154, 31381525, 32194622, 36361501, 34268379). ClinVar contains an entry for this variant (Variation ID: 1429174). In conclusion, while it may be assumed that duplication variants including a large DNA segment upstream of the gene (i.e. containing essential promoter- and regulatory elements) might result in regular transcription initiation leading to in an intact protein product, shorter tandem duplication variants involving the first 2 exons could result in a frameshift or in-frame duplication change causing disease. Based on the evidence outlined above, the variant was classified as uncertain significance since it is not possible to distinguish between these two outcomes in the context of this evaluation.

Literature cited by the submitters: PubMed 31381525; PubMed 32358784; PubMed 33644936; PubMed 32194622; PubMed 34268379; PubMed 36361501; PubMed 38504154.

NC_000023.10:g.(32867938_33038255)_(33229667_?)dup

Gene: DMD (dystrophin; minus strand). Cytogenetic location: Xp21.1.
Variant type: Duplication.
Identifiers: ClinVar variation 3902112 (VCV003902112.1).